The following is an entry in ClinVar:

NM_194248.3(OTOF):c.1646T>C (p.Leu549Pro)

Gene: OTOF (otoferlin; minus strand). Cytogenetic location: 2p23.3.
Variant type: single nucleotide variant.
Coding change: c.1646T>C on transcript NM_194248.3 (MANE Select); coding-DNA position 1646, T replaced by C.
Protein change: p.Leu549Pro; replaces leucine 549 with proline.
Molecular consequence: missense variant.
Genome position (GRCh38, 1-based): chr2:26,480,943, A>G on the plus strand (T>C on the coding strand, the complement: OTOF is on the minus strand). VCF-style: chr2-26480943-A-G. GRCh37 (hg19) VCF-style: chr2-26703811-A-G.
Other names: c.1646T>C, p.Leu549Pro (NM_001287489.2); short protein forms L549P.
Identifiers: ClinVar variation 4995740 (VCV004995740.1).
Genomic context (GRCh38, chr2:26,480,943, plus strand): 5'-AGCCGGGCCCGGAAGGACACACCCTCCCCCAGGCCCTCGTTCAGGTCCTGATGCTCATCC[A>G]GCAGCGTGTAGTTACGTGTGGAGCCGTACATGTTCACCCAGGCTGGGCCCAGTGTGGGCA-3'
Protein context (NP_919224.1, residues 539-559): MYGSTRNYTL[Leu549Pro]DEHQDLNEGL

ClinVar aggregate classification (germline): Uncertain significance (1 of 4 stars; one submission).

Conditions:
OTOF-related disorder. Also called: OTOF-related condition.

gnomAD v4.1: 1 of 1,613,038 alleles (0.000062%); highest among the groups gnomAD compares: Non-Finnish European, 0.000085%; no homozygotes.

Submission:

PreventionGenetics, part of Exact Sciences
Classification: Uncertain significance for OTOF-related condition. Last evaluated: 2025-09-03. Review status: criteria provided, single submitter. Criteria: ACMG Guidelines, 2015. Collection method: clinical testing. Allele origin: germline.
Comment: The OTOF c.1646T>C variant is predicted to result in the amino acid substitution p.Leu549Pro. To our knowledge, this variant has not been reported in the literature or in a large population database (gnomAD), indicating this variant is rare. At this time, the clinical significance of this variant is uncertain due to the absence of conclusive functional and genetic evidence.